The following is an entry in ClinVar:

NM_000179.3(MSH6):c.1350_1351del (p.Phe451fs)

Gene: MSH6 (mutS homolog 6; plus strand). Cytogenetic location: 2p16.3.
Variant type: Deletion.
Coding change: c.1350_1351del on transcript NM_000179.3 (MANE Select); coding-DNA positions 1350 to 1351, 2 bases deleted (AT; older notation c.1350_1351delAT).
Protein change: p.Phe451fs; shifts the reading frame from phenylalanine 451.
Molecular consequence: frameshift variant.
Genome position (GRCh38, 1-based): chr2:47,799,333-47,799,334, AT deleted; deleting any 2 consecutive bases within chr2:47,799,332-47,799,334 gives the same sequence; the c. name uses the placement nearest the transcript's 3' end. VCF-style (leftmost placement, unchanged base first): chr2-47799331-GTA-G. GRCh37 (hg19) VCF-style: chr2-48026470-GTA-G.
Other names: c.960_961del, p.Phe321fs (NM_001281492.2); c.444_445del, p.Phe149fs (NM_001281493.2, NM_001281494.2); c.1350_1351delAT (NM_000179.2); short protein forms F321fs, F451fs, F149fs.
Identifiers: ClinVar variation 237133 (VCV000237133.23), dbSNP rs878853702, ClinGen allele CA10582048.
Genomic context (GRCh38, chr2:47,799,331, plus strand): 5'-GGGAAATTTTATGAGCTGTACCACATGGATGCTCTTATTGGAGTCAGTGAACTGGGGCTG[GTA>G]TTCATGAAAGGCAACTGGGCCCATTCTGGCTTTCCTGAAATTGCATTTGGCCGTTATTCA-3'

ClinVar aggregate classification (germline): Pathogenic/Likely pathogenic. Review status: criteria provided, multiple submitters, no conflicts (2 of 4 stars). 8 submissions from 8 submitters: Pathogenic (5); Likely pathogenic (2). 1 of the submissions does not count toward it. Last evaluated 2025-06-22.

Conditions:
Hereditary nonpolyposis colorectal neoplasms. Identifiers: MedGen C0009405, MeSH D003123.
Lynch syndrome 5 (LYNCH5). Also called: Hereditary non-polyposis colorectal cancer, type 5; Colorectal cancer, hereditary nonpolyposis, type 5. Identifiers: Orphanet 144, MedGen C1833477, MONDO:0013710, OMIM 614350. Disease mechanism: loss of function.
Endometrial carcinoma. Also called: Endometrial carcinoma, somatic. Identifiers: MedGen C0476089, MONDO:0002447, OMIM 608089, HP:0012114.
Mismatch repair cancer syndrome 3. Identifiers: MedGen C5436807, MONDO:0030841, OMIM 619097.
Hereditary cancer-predisposing syndrome. Also called: Hereditary neoplastic syndrome; Hereditary Cancer Syndrome; Neoplastic Syndromes, Hereditary; Tumor predisposition. Identifiers: Orphanet 140162, MedGen C0027672, MeSH D009386, MONDO:0015356.

Submissions (8):

Labcorp Genetics (formerly Invitae), Labcorp
Classification: Pathogenic for Hereditary nonpolyposis colorectal neoplasms. Last evaluated: 2025-06-22. Review status: criteria provided, single submitter. Criteria: Invitae Variant Classification Sherloc (09022015). Collection method: clinical testing. Allele origin: germline.
Comment: This sequence change creates a premature translational stop signal (p.Phe451Hisfs*12) in the MSH6 gene. It is expected to result in an absent or disrupted protein product. Loss-of-function variants in MSH6 are known to be pathogenic (PMID: 18269114, 24362816). This variant is present in population databases (no rsID available, gnomAD 0.007%). This variant has not been reported in the literature in individuals affected with MSH6-related conditions. Invitae Evidence Modeling of clinical and family history, age, sex, and reported ancestry of multiple individuals with this MSH6 variant has been performed. This variant is expected to be pathogenic with a positive predictive value of at least 99%. This is a validated machine learning model that incorporates the clinical features of 1,627,235 individuals referred to our laboratory for MSH6 testing. ClinVar contains an entry for this variant (Variation ID: 237133). For these reasons, this variant has been classified as Pathogenic.

Ambry Genetics
Classification: Pathogenic for Hereditary cancer-predisposing syndrome. Last evaluated: 2025-04-07. Review status: criteria provided, single submitter. Criteria: Ambry Variant Classification Scheme 2023. Collection method: clinical testing. Allele origin: germline.
Comment: The c.1350_1351delAT pathogenic mutation, located in coding exon 4 of the MSH6 gene, results from a deletion of two nucleotides at nucleotide positions 1350 to 1351, causing a translational frameshift with a predicted alternate stop codon (p.F451Hfs*12). This alteration has been previously detected in a cohort of 381 unselected endometrial cancer patients who underwent multi-gene panel testing (Ring KL et al. Mod Pathol, 2016 11;29:1381-1389). In addition to the clinical data presented in the literature, this alteration is expected to result in loss of function by premature protein truncation or nonsense-mediated mRNA decay. As such, this alteration is interpreted as a disease-causing mutation.

Quest Diagnostics Nichols Institute San Juan Capistrano
Classification: Pathogenic. Last evaluated: 2024-03-01. Review status: criteria provided, single submitter. Criteria: Quest Diagnostics criteria. Collection method: clinical testing. Allele origin: unknown.
Comment: The MSH6 c.1350_1351del (p.Phe451Hisfs*12) variant alters the translational reading frame of the MSH6 mRNA and causes the premature termination of MSH6 protein synthesis. This variant has been reported in the published literature in an individual with endometrial cancer (PMID: 27443514 (2016)). The frequency of this variant in the general population, 0.000004 (1/251008 chromosomes (Genome Aggregation Database)), is consistent with pathogenicity. Based on the available information, this variant is classified as pathogenic.

Baylor Genetics
Classification: Likely pathogenic for Endometrial carcinoma. Last evaluated: 2024-01-22. Review status: criteria provided, single submitter. Criteria: ACMG Guidelines, 2015. Collection method: clinical testing. Allele origin: unknown.

Myriad Genetics, Inc.
Classification: Pathogenic for Lynch syndrome 5. Last evaluated: 2023-03-28. Review status: criteria provided, single submitter. Criteria: Myriad Autosomal Dominant, Autosomal Recessive and X-Linked Classification Criteria (2023). Collection method: clinical testing. Allele origin: unknown.
Comment: This variant is considered pathogenic. This variant creates a frameshift predicted to result in premature protein truncation.

GeneDx
Classification: Pathogenic. Last evaluated: 2022-08-23. Review status: criteria provided, single submitter. Criteria: GeneDx Variant Classification Process June 2021. Collection method: clinical testing. Allele origin: germline. Affected: yes.
Comment: Frameshift variant predicted to result in protein truncation or nonsense mediated decay in a gene for which loss of function is a known mechanism of disease; Not observed at significant frequency in large population cohorts (gnomAD); Truncating variants in this gene are considered pathogenic by a well-established clinical consortium and/or database; Has not been previously published as pathogenic or benign to our knowledge; This variant is associated with the following publications: (PMID: 24362816, 18269114, 27443514)

Fulgent Genetics
Classification: Likely pathogenic for Endometrial carcinoma; Lynch syndrome 5; Mismatch repair cancer syndrome 3. Last evaluated: 2022-03-25. Review status: criteria provided, single submitter. Criteria: ACMG Guidelines, 2015. Collection method: clinical testing. Allele origin: unknown.

Counsyl
Classification: Pathogenic for Lynch syndrome 5. Last evaluated: 2017-05-10. Review status: no assertion criteria provided. Collection method: clinical testing. Allele origin: unknown. Not counted in ClinVar's aggregate classification.

Literature cited by the submitters: PubMed 18269114 (cited by Labcorp Genetics (formerly Invitae), Labcorp); PubMed 24362816 (cited by Labcorp Genetics (formerly Invitae), Labcorp); PubMed 27443514 (cited by 3 submitters).